The following is an entry in ClinVar:

NM_001127222.2(CACNA1A):c.2345G>T (p.Arg782Leu)

Gene: CACNA1A (calcium voltage-gated channel subunit alpha1 A; minus strand). Cytogenetic location: 19p13.13.
Variant type: single nucleotide variant.
Coding change: c.2345G>T on transcript NM_001127222.2 (MANE Select); coding-DNA position 2345, G replaced by T.
Protein change: p.Arg782Leu; replaces arginine 782 with leucine.
Molecular consequence: missense variant.
Genome position (GRCh38, 1-based): chr19:13,299,288, C>A on the plus strand (G>T on the coding strand, the complement: CACNA1A is on the minus strand). VCF-style: chr19-13299288-C-A. GRCh37 (hg19) VCF-style: chr19-13410102-C-A.
Other names: c.2357G>T, p.Arg786Leu (NM_000068.4, NM_023035.3); c.2348G>T, p.Arg783Leu (NM_001127221.2, NM_001174080.2); short protein forms R782L, R783L, R786L.
Identifiers: ClinVar variation 3769931 (VCV003769931.1).

ClinVar aggregate classification (germline): Uncertain significance (1 of 4 stars; one submission).

Submission:

GeneDx
Classification: Uncertain significance. Last evaluated: 2024-09-11. Review status: criteria provided, single submitter. Criteria: GeneDx Variant Classification Process June 2021. Collection method: clinical testing. Allele origin: germline. Affected: yes.
Comment: Not observed at significant frequency in large population cohorts (gnomAD); In silico analysis supports that this missense variant has a deleterious effect on protein structure/function; Has not been previously published as pathogenic or benign to our knowledge